The following is an entry in ClinVar:

ClinVar aggregate classification (germline): Uncertain significance. Review status: criteria provided, multiple submitters, no conflicts (2 of 4 stars). 3 submissions from 3 submitters: Uncertain significance (3). Last evaluated 2026-04-27.

Conditions:
Cardiovascular phenotype. Identifiers: MedGen CN230736.
Dilated cardiomyopathy 1W (CMD1W). Identifiers: Orphanet 154, MedGen C1969639, MONDO:0012667, OMIM 611407.

Allele frequency attached by ClinVar (database versions not stated): gnomAD exomes below 0.00001 and 0.00001; TOPMed below 0.00001; ExAC 0.00001; gnomAD 0.00001.
gnomAD v4.1: 5 of 1,613,798 alleles (0.00031%); highest among the groups gnomAD compares: African/African-American, 0.004%; no homozygotes.

Submissions (3):

Ambry Genetics
Classification: Uncertain significance for Cardiovascular phenotype. Last evaluated: 2026-04-27. Review status: criteria provided, single submitter. Criteria: Ambry Variant Classification Scheme 2023. Collection method: clinical testing. Allele origin: germline.
Comment: The p.A785T variant (also known as c.2353G>A), located in coding exon 16 of the VCL gene, results from a G to A substitution at nucleotide position 2353. The alanine at codon 785 is replaced by threonine, an amino acid with similar properties. This amino acid position is conserved. In addition, this alteration is predicted to be tolerated by in silico analysis. Based on the available evidence, the clinical significance of this variant remains unclear.

Labcorp Genetics (formerly Invitae), Labcorp
Classification: Uncertain significance for Dilated cardiomyopathy 1W. Last evaluated: 2025-03-19. Review status: criteria provided, single submitter. Criteria: Invitae Variant Classification Sherloc (09022015). Collection method: clinical testing. Allele origin: germline.
Comment: This sequence change replaces alanine, which is neutral and non-polar, with threonine, which is neutral and polar, at codon 785 of the VCL protein (p.Ala785Thr). This variant is present in population databases (rs778554042, gnomAD 0.003%). This variant has not been reported in the literature in individuals affected with VCL-related conditions. ClinVar contains an entry for this variant (Variation ID: 1017087). An algorithm developed to predict the effect of missense changes on protein structure and function (PolyPhen-2) suggests that this variant is likely to be tolerated. In summary, the available evidence is currently insufficient to determine the role of this variant in disease. Therefore, it has been classified as a Variant of Uncertain Significance.

GeneDx
Classification: Uncertain significance. Last evaluated: 2024-06-28. Review status: criteria provided, single submitter. Criteria: GeneDx Variant Classification Process June 2021. Collection method: clinical testing. Allele origin: germline. Affected: yes.
Comment: Not observed at significant frequency in large population cohorts (gnomAD); In silico analysis indicates that this missense variant does not alter protein structure/function; Has not been previously published as pathogenic or benign to our knowledge

NM_014000.3(VCL):c.2353G>A (p.Ala785Thr)

Gene: VCL (vinculin; plus strand). Cytogenetic location: 10q22.2.
Variant type: single nucleotide variant.
Coding change: c.2353G>A on transcript NM_014000.3 (MANE Select); coding-DNA position 2353, G replaced by A.
Protein change: p.Ala785Thr; replaces alanine 785 with threonine.
Molecular consequence: missense variant.
Genome position (GRCh38, 1-based): chr10:74,105,272, G>A. VCF-style: chr10-74105272-G-A. GRCh37 (hg19) VCF-style: chr10-75865030-G-A.
Other names: c.2353G>A, p.Ala785Thr (NM_003373.4); short protein forms A785T.
Identifiers: ClinVar variation 1017087 (VCV001017087.11), dbSNP rs778554042, ClinGen allele CA5563193.